The following is an entry in ClinVar:

NM_001372106.1(DNAH10):c.5869del (p.Thr1957fs)

Gene: DNAH10 (dynein axonemal heavy chain 10; plus strand). Cytogenetic location: 12q24.31.
Variant type: Deletion.
Coding change: c.5869del on transcript NM_001372106.1 (MANE Select); coding-DNA position 5869, one base deleted (A; older notation c.5869delA).
Protein change: p.Thr1957fs; shifts the reading frame from threonine 1957.
Molecular consequence: frameshift variant.
Genome position (GRCh38, 1-based): chr12:123,848,015, A deleted; the last of 4 consecutive A bases (chr12:123,848,012-123,848,015); deleting any one gives the same sequence. VCF-style (leftmost placement, unchanged base first): chr12-123848011-CA-C. GRCh37 (hg19) VCF-style: chr12-124332558-CA-C.
Other names: c.5515del, p.Thr1839fs (NM_207437.3); short protein forms T1839fs, T1957fs.
Identifiers: ClinVar variation 3392779 (VCV003392779.1).

ClinVar aggregate classification (germline): Uncertain significance (1 of 4 stars; one submission).

Submission:

GeneDx
Classification: Uncertain significance. Last evaluated: 2024-06-24. Review status: criteria provided, single submitter. Criteria: GeneDx Variant Classification Process June 2021. Collection method: clinical testing. Allele origin: germline. Affected: yes.
Comment: Not observed at significant frequency in large population cohorts (gnomAD); Frameshift variant predicted to result in protein truncation or nonsense mediated decay in a gene or region of a gene for which loss of function is not a well-established mechanism of disease; Has not been previously published as pathogenic or benign to our knowledge